The following is an entry in ClinVar:

ClinVar aggregate classification (germline): Likely pathogenic. Review status: criteria provided, multiple submitters, no conflicts (2 of 4 stars). 2 submissions from 2 submitters: Likely pathogenic (2). Last evaluated 2026-01-29.

Conditions:
Hereditary cancer-predisposing syndrome. Also called: Neoplastic Syndromes, Hereditary; Hereditary neoplastic syndrome; Tumor predisposition; Hereditary Cancer Syndrome. Identifiers: Orphanet 140162, MedGen C0027672, MeSH D009386, MONDO:0015356.
Cardiovascular phenotype. Identifiers: MedGen CN230736.
Neurofibromatosis, type 1 (NF1). Also called: Peripheral type neurofibromatosis; VON RECKLINGHAUSEN DISEASE; Neurofibromatosis, type I; NEUROFIBROMATOSIS, TYPE I, SOMATIC. Identifiers: Orphanet 636, MedGen C0027831, MONDO:0018975, OMIM 162200. Disease mechanism: loss of function.

Submissions (2):

Labcorp Genetics (formerly Invitae), Labcorp
Classification: Likely pathogenic for Neurofibromatosis, type 1. Last evaluated: 2026-01-29. Review status: criteria provided, single submitter. Criteria: Invitae Variant Classification Sherloc (09022015). Collection method: clinical testing. Allele origin: germline.
Comment: This sequence change replaces lysine, which is basic and polar, with glutamic acid, which is acidic and polar, at codon 505 of the NF1 protein (p.Lys505Glu). This variant is not present in population databases (gnomAD no frequency). This missense change has been observed in individual(s) with neurofibromatosis, type 1 (PMID: 9783703, 33877690). In at least one individual the variant was observed to be de novo. This missense change has been observed to co-occur in individuals with a different variant in NF1 that has been determined to be pathogenic (PMID: 30290804), but the significance of this finding is unclear. ClinVar contains an entry for this variant (Variation ID: 839760). Invitae Evidence Modeling of protein sequence and biophysical properties (such as structural, functional, and spatial information, amino acid conservation, physicochemical variation, residue mobility, and thermodynamic stability) has been performed for this missense variant. However, the output from this modeling did not meet the statistical confidence thresholds required to predict the impact of this variant on NF1 protein function. In summary, the currently available evidence indicates that the variant is pathogenic, but additional data are needed to prove that conclusively. Therefore, this variant has been classified as Likely Pathogenic.

Ambry Genetics
Classification: Likely pathogenic for Cardiovascular phenotype; Hereditary cancer-predisposing syndrome. Last evaluated: 2025-04-02. Review status: criteria provided, single submitter. Criteria: Ambry Variant Classification Scheme 2023. Collection method: clinical testing. Allele origin: germline.
Comment: The p.K505E variant (also known as c.1513A>G), located in coding exon 13 of the NF1 gene, results from an A to G substitution at nucleotide position 1513. The lysine at codon 505 is replaced by glutamic acid, an amino acid with similar properties. This variant was reported in individual(s) with features consistent with neurofibromatosis type 1; in at least one individual, it was determined to be de novo (Park VM et al. J Med Genet, 1998 Oct;35:813-20; G&uuml;ne N et al. Ann Hum Genet, 2021 Sep;85:155-165). This missense alteration is located in a region that has a low rate of benign missense variation (Lek M et al. Nature. 2016 Aug 18;536(7616):285-91; DECIPHER: Database of Chromosomal Imbalance and Phenotype in Humans using Ensembl Resources. Firth H.V. et al. 2009. Am.J.Hum.Genet. 84, 524-533 (DOI)). This amino acid position is highly conserved in available vertebrate species. In addition, the in silico prediction for this alteration is inconclusive. This variant is considered to be rare based on population cohorts in the Genome Aggregation Database (gnomAD). Based on the majority of available evidence to date, this variant is likely to be pathogenic.

Literature cited by the submitters: PubMed 9783703 (cited by Labcorp Genetics (formerly Invitae), Labcorp and Ambry Genetics); PubMed 33877690 (cited by Labcorp Genetics (formerly Invitae), Labcorp and Ambry Genetics); PubMed 30290804 (cited by Labcorp Genetics (formerly Invitae), Labcorp).

NM_001042492.3(NF1):c.1513A>G (p.Lys505Glu)

Gene: NF1 (neurofibromin 1; plus strand). Cytogenetic location: 17q11.2.
Variant type: single nucleotide variant.
Coding change: c.1513A>G on transcript NM_001042492.3 (MANE Select); coding-DNA position 1513, A replaced by G.
Protein change: p.Lys505Glu; replaces lysine 505 with glutamic acid.
Molecular consequence: missense variant.
Genome position (GRCh38, 1-based): chr17:31,214,571, A>G. VCF-style: chr17-31214571-A-G. GRCh37 (hg19) VCF-style: chr17-29541589-A-G.
Other names: c.1513A>G, p.Lys505Glu (NM_000267.4, NM_001128147.3); short protein forms K505E.
Identifiers: ClinVar variation 839760 (VCV000839760.6), dbSNP rs2066787606, ClinGen allele CA399001678.
Genomic context (GRCh38, chr17:31,214,571, plus strand): 5'-GAGACAAGAAGCTATAAGTATCTTCTCTTGTCCATGGTGAAACTAATTCATGCAGATCCA[A>G]AGCTCTTGCTTTGTGTAAGTATTTTTTTATGAAATGTCTCAAAATTATCACACTAAGTTA-3'
Protein context (NP_001035957.1, residues 495-515): SMVKLIHADP[Lys505Glu]LLLCNPRKQG